The following is an entry in ClinVar:

ClinVar aggregate classification (germline): Uncertain significance (1 of 4 stars; one submission).

Allele frequency attached by ClinVar (database versions not stated): gnomAD 0.00001; gnomAD exomes 0.00002 and 0.00003; TOPMed 0.00002; ExAC 0.00005.
gnomAD v4.1: 29 of 1,613,782 alleles (0.0018%); highest among the groups gnomAD compares: Non-Finnish European, 0.0024%; no homozygotes.

Submission:

Labcorp Genetics (formerly Invitae), Labcorp
Classification: Uncertain significance. Last evaluated: 2022-07-12. Review status: criteria provided, single submitter. Criteria: Invitae Variant Classification Sherloc (09022015). Collection method: clinical testing. Allele origin: germline.
Comment: This sequence change replaces asparagine, which is neutral and polar, with serine, which is neutral and polar, at codon 1395 of the OBSL1 protein (p.Asn1395Ser). This variant is present in population databases (rs777059636, gnomAD 0.006%). This variant has not been reported in the literature in individuals affected with OBSL1-related conditions. ClinVar contains an entry for this variant (Variation ID: 1375649). Algorithms developed to predict the effect of missense changes on protein structure and function are either unavailable or do not agree on the potential impact of this missense change (SIFT: "Tolerated"; PolyPhen-2: "Probably Damaging"; Align-GVGD: "Class C0"). Algorithms developed to predict the effect of sequence changes on RNA splicing suggest that this variant may create or strengthen a splice site. In summary, the available evidence is currently insufficient to determine the role of this variant in disease. Therefore, it has been classified as a Variant of Uncertain Significance.

NM_015311.3(OBSL1):c.4184A>G (p.Asn1395Ser)

Gene: OBSL1 (obscurin like cytoskeletal adaptor 1; minus strand). Cytogenetic location: 2q35.
Variant type: single nucleotide variant.
Coding change: c.4184A>G on transcript NM_015311.3 (MANE Select); coding-DNA position 4184, A replaced by G.
Protein change: p.Asn1395Ser; replaces asparagine 1395 with serine.
Molecular consequence: missense variant.
Genome position (GRCh38, 1-based): chr2:219,556,606, T>C on the plus strand (A>G on the coding strand, the complement: OBSL1 is on the minus strand). VCF-style: chr2-219556606-T-C. GRCh37 (hg19) VCF-style: chr2-220421328-T-C.
Other names: c.4184A>G, p.Asn1395Ser (NM_001173431.2); short protein forms N1395S.
Identifiers: ClinVar variation 1375649 (VCV001375649.3), dbSNP rs777059636, ClinGen allele CA2130637.